The following is an entry in ClinVar:

NM_173728.4(ARHGEF15):c.398C>A (p.Pro133His)

Gene: ARHGEF15 (Rho guanine nucleotide exchange factor 15; plus strand). Cytogenetic location: 17p13.1.
Variant type: single nucleotide variant.
Coding change: c.398C>A on transcript NM_173728.4 (MANE Select); coding-DNA position 398, C replaced by A.
Protein change: p.Pro133His; replaces proline 133 with histidine.
Molecular consequence: missense variant.
Genome position (GRCh38, 1-based): chr17:8,312,437, C>A. VCF-style: chr17-8312437-C-A. GRCh37 (hg19) VCF-style: chr17-8215755-C-A.
Other names: c.398C>A, p.Pro133His (NM_025014.2); short protein forms P133H.
Identifiers: ClinVar variation 651683 (VCV000651683.11), dbSNP rs115065009, ClinGen allele CA398014469.

ClinVar aggregate classification (germline): Uncertain significance. Review status: criteria provided, single submitter (1 of 4 stars). 2 submissions from 2 submitters: Uncertain significance (1). 1 of the submissions does not count toward it. Last evaluated 2023-07-14.

Conditions:
Early-infantile DEE. Also called: Early infantile epileptic encephalopathy with suppression bursts; Early infantile epileptic encephalopathy; Ohtahara syndrome. Identifiers: Orphanet 1934, MedGen C0393706, MONDO:0800491.

Allele frequency attached by ClinVar (database versions not stated): TOPMed 0.00001.

Submissions (2):

Labcorp Genetics (formerly Invitae), Labcorp
Classification: Uncertain significance for Early-infantile DEE. Last evaluated: 2023-07-14. Review status: criteria provided, single submitter. Criteria: Invitae Variant Classification Sherloc (09022015). Collection method: clinical testing. Allele origin: germline.
Comment: In summary, the available evidence is currently insufficient to determine the role of this variant in disease. Therefore, it has been classified as a Variant of Uncertain Significance. Algorithms developed to predict the effect of missense changes on protein structure and function output the following: SIFT: "Not Available"; PolyPhen-2: "Benign"; Align-GVGD: "Not Available". The histidine amino acid residue is found in multiple mammalian species, which suggests that this missense change does not adversely affect protein function. ClinVar contains an entry for this variant (Variation ID: 651683). This variant has not been reported in the literature in individuals affected with ARHGEF15-related conditions. This variant is not present in population databases (gnomAD no frequency). This sequence change replaces proline, which is neutral and non-polar, with histidine, which is basic and polar, at codon 133 of the ARHGEF15 protein (p.Pro133His).

New York Genome Center
Classification: Uncertain significance. Last evaluated: 2019-12-13. Review status: no assertion criteria provided. Collection method: clinical testing. Allele origin: germline. Affected: yes. Observed: 1 heterozygote. Not counted in ClinVar's aggregate classification.